The following is an entry in ClinVar:

NM_001848.3(COL6A1):c.776C>T (p.Pro259Leu)

Gene: COL6A1 (collagen type VI alpha 1 chain; plus strand). Cytogenetic location: 21q22.3.
Variant type: single nucleotide variant.
Coding change: c.776C>T on transcript NM_001848.3 (MANE Select); coding-DNA position 776, C replaced by T.
Protein change: p.Pro259Leu; replaces proline 259 with leucine.
Molecular consequence: missense variant.
Genome position (GRCh38, 1-based): chr21:45,987,626, C>T. VCF-style: chr21-45987626-C-T. GRCh37 (hg19) VCF-style: chr21-47407540-C-T.
Other names: short protein forms P259L.
Identifiers: ClinVar variation 290527 (VCV000290527.10), dbSNP rs767905829, ClinGen allele CA10069746.

ClinVar aggregate classification (germline): Conflicting classifications of pathogenicity. Review status: criteria provided, conflicting classifications (1 of 4 stars). 4 submissions from 4 submitters: Uncertain significance (3); Benign (1). Last evaluated 2025-09-03.

Conditions:
Bethlem myopathy 1A. Also called: Bethlem Muscular Dystrophy; MYOPATHY, BENIGN CONGENITAL, WITH CONTRACTURES; Bethlem myopathy 1. Identifiers: Orphanet 610, MedGen CN029274, MONDO:0024530, OMIM 158810.

Allele frequency attached by ClinVar (database versions not stated): gnomAD 0.00001 and 0.00002; TOPMed 0.00002; gnomAD exomes 0.00004; ExAC 0.00005.
gnomAD v4.1: 76 of 1,611,034 alleles (0.0047%); highest among the groups gnomAD compares: South Asian, 0.024%; no homozygotes.

Submissions (4):

Women's Health and Genetics/Laboratory Corporation of America, LabCorp
Classification: Uncertain significance. Last evaluated: 2025-09-03. Review status: criteria provided, single submitter. Criteria: LabCorp Variant Classification Summary - May 2015. Collection method: clinical testing. Allele origin: germline.
Comment: Variant summary: COL6A1 c.776C>T (p.Pro259Leu) results in a non-conservative amino acid change in the encoded protein sequence. Algorithms developed to predict the effect of missense changes on protein structure and function all suggest that this variant is likely to be disruptive. The variant allele was found at a frequency of 4e-05 in 247910 control chromosomes, predominantly at a frequency of 0.0003 within the South Asian subpopulation in the gnomAD database. The available data on variant occurrences in the general population are insufficient to allow any conclusion about variant significance. To our knowledge, no occurrence of c.776C>T in individuals affected with COL6A1-related conditions and no experimental evidence demonstrating its impact on protein function have been reported. ClinVar contains an entry for this variant (Variation ID: 290527). Based on the evidence outlined above, the variant was classified as uncertain significance.

Labcorp Genetics (formerly Invitae), Labcorp
Classification: Benign for Bethlem myopathy 1A. Last evaluated: 2024-04-03. Review status: criteria provided, single submitter. Criteria: Invitae Variant Classification Sherloc (09022015). Collection method: clinical testing. Allele origin: germline.

GeneDx
Classification: Uncertain significance. Last evaluated: 2017-01-24. Review status: criteria provided, single submitter. Criteria: GeneDx Variant Classification (06012015). Collection method: clinical testing. Allele origin: germline. Affected: yes.
Comment: A variant of uncertain significance has been identified in the COL6A1 gene. The P259L variant has not been published as a pathogenic variant, nor has it been reported as a benign variant to our knowledge. The P259L variant is not observed at a significant frequency in large population cohorts (Lek et al., 2016; 1000 Genomes Consortium et al., 2015; Exome Variant Server). The P259L variant is a semi-conservative amino acid substitution, which may impact secondary protein structure as these residues differ in some properties. This substitution occurs at a position that is conserved in mammals and in silico analysis predicts this variant is probably damaging to the protein structure/function. Based on the currently available information, it is unclear whether this variant is a pathogenic variant or a rare benign variant.

Eurofins Ntd Llc (ga)
Classification: Uncertain significance. Last evaluated: 2016-08-18. Review status: criteria provided, single submitter. Criteria: EGL Classification Definitions 2015. Collection method: clinical testing. Allele origin: germline. Observed: 1 variant allele, 1 heterozygote.